The following is an entry in ClinVar:

NM_002519.3(NPAT):c.4223G>T (p.Ser1408Ile)

Gene: NPAT (nuclear protein, coactivator of histone transcription; minus strand). Cytogenetic location: 11q22.3.
Variant type: single nucleotide variant.
Coding change: c.4223G>T on transcript NM_002519.3 (MANE Select); coding-DNA position 4223, G replaced by T.
Protein change: p.Ser1408Ile; replaces serine 1408 with isoleucine.
Molecular consequence: missense variant.
Genome position (GRCh38, 1-based): chr11:108,159,003, C>A on the plus strand (G>T on the coding strand, the complement: NPAT is on the minus strand). VCF-style: chr11-108159003-C-A. GRCh37 (hg19) VCF-style: chr11-108029730-C-A.
Other names: c.4244G>T, p.Ser1415Ile (NM_001321307.1); short protein forms S1415I, S1408I.
Identifiers: ClinVar variation 1738843 (VCV001738843.2), dbSNP rs778967998, ClinGen allele CA382509087.

ClinVar aggregate classification (germline): Uncertain significance (1 of 4 stars; one submission).

Allele frequency attached by ClinVar (database versions not stated): gnomAD exomes below 0.00001.
gnomAD v4.1: 1 of 1,606,580 alleles (0.000062%); highest among the groups gnomAD compares: Non-Finnish European, 0.000085%; no homozygotes.

Submission:

Ambry Genetics
Classification: Uncertain significance. Last evaluated: 2022-10-15. Review status: criteria provided, single submitter. Criteria: Ambry Variant Classification Scheme 2023. Collection method: clinical testing. Allele origin: germline.
Comment: The p.S1408I variant (also known as c.4223G>T), located in coding exon 18 of the NPAT gene, results from a G to T substitution at nucleotide position 4223. The serine at codon 1408 is replaced by isoleucine, an amino acid with dissimilar properties. This amino acid position is conserved. In addition, this alteration is predicted to be tolerated by in silico analysis. Since supporting evidence is limited at this time, the clinical significance of this alteration remains unclear.